The following is an entry in ClinVar:

NM_001370259.2(MEN1):c.1102G>A (p.Ala368Thr)

Gene: MEN1 (menin 1; minus strand). Cytogenetic location: 11q13.1.
Variant type: single nucleotide variant.
Coding change: c.1102G>A on transcript NM_001370259.2 (MANE Select); coding-DNA position 1102, G replaced by A.
Protein change: p.Ala368Thr; replaces alanine 368 with threonine.
Molecular consequence: missense variant.
Genome position (GRCh38, 1-based): chr11:64,805,718, C>T on the plus strand (G>A on the coding strand, the complement: MEN1 is on the minus strand). VCF-style: chr11-64805718-C-T. GRCh37 (hg19) VCF-style: chr11-64573190-C-T.
Other names: c.1102G>A, p.Ala368Thr (NM_001370260.2, NM_001370261.2, NM_130799.3); c.1117G>A, p.Ala373Thr (NM_000244.4, NM_130800.3, NM_130801.3 and 3 more transcripts); c.997G>A, p.Ala333Thr (NM_001370262.2, NM_001370263.2); c.1228G>A, p.Ala410Thr (NM_001370251.2); short protein forms A368T, A373T, A410T, A333T.
Identifiers: ClinVar variation 428007 (VCV000428007.9), dbSNP rs1114167473, ClinGen allele CA381182623.

ClinVar aggregate classification (germline): Likely pathogenic. Review status: criteria provided, multiple submitters, no conflicts (2 of 4 stars). 2 submissions from 2 submitters: Likely pathogenic (2). Last evaluated 2026-08-13.

Conditions:
Hereditary cancer-predisposing syndrome. Also called: Neoplastic Syndromes, Hereditary; Hereditary neoplastic syndrome; Hereditary Cancer Syndrome; Tumor predisposition. Identifiers: Orphanet 140162, MedGen C0027672, MeSH D009386, MONDO:0015356.
Multiple endocrine neoplasia, type 1 (MEN1). Also called: MEA I; MEN I; WERMER SYNDROME; Endocrine adenomatosis multiple; MEN 1. Identifiers: Orphanet 652, MedGen C0025267, MeSH D018761, MONDO:0007540, OMIM 131100.

Submissions (2):

Ambry Genetics
Classification: Likely pathogenic for Hereditary cancer-predisposing syndrome. Last evaluated: 2026-08-13. Review status: criteria provided, single submitter. Criteria: Ambry Variant Classification Scheme 2023. Collection method: clinical testing. Allele origin: germline.
Comment: ONLY INCLUDE THIS RD IF PT CARRIES p.R355Q , p.I360F, AND p.A368T MEN1 VARIANTS The p.A368T variant (also known as c.1102G>A), located in coding exon 7 of the MEN1 gene, results from a G to A substitution at nucleotide position 1102. The alanine at codon 368 is replaced by threonine, an amino acid with similar properties. The p.I360F variant (also known as c.1078A>T), located in coding exon 7 of the MEN1 gene, results from an A to T substitution at nucleotide position 1078. The isoleucine at codon 360 is replaced by phenylalanine, an amino acid with highly similar properties. The p.R355Q variant (also known as c.1064G>A), located in coding exon 7 of the MEN1 gene, results from a G to A substitution at nucleotide position 1064. The arginine at codon 355 is replaced by glutamine, an amino acid with highly similar properties. The p.A368T, p.I360F and p.R355Q variants have been observed in cis in individuals with features consistent with multiple endocrine neoplasia type 1 (Ambry internal data). These amino acid positions are highly conserved in available vertebrate species. In addition, these variants are predicted to be deleterious by in silico analysis. These variants are considered to be rare based on population cohorts in the Genome Aggregation Database (gnomAD). Based on the majority of available evidence to date, the p.A368T, p.R355Q and p.I360F variants are interpreted as a likely pathogenic haplotype.

Clinical Genomics Laboratory, Washington University in St. Louis
Classification: Likely pathogenic for Multiple endocrine neoplasia, type 1. Last evaluated: 2025-12-26. Review status: criteria provided, single submitter. Criteria: ACMG Guidelines, 2015. Collection method: clinical testing. Allele origin: germline. Affected: yes.
Comment: The MEN1 c.1102G>A (p.Ala368Thr) variant, to our knowledge, has not been reported in the medical literature but has been reported in ClinVar as likely pathogenic. Other variants in the same codon (p.Ala368Val, p.Ala368Asp, p.Ala368Pro) have been reported in affected individuals with endocrine neoplasia type 1 (Giraud S, et al., PMID: 9683585; ClinVar Variation IDs: 3634194, 547518, 428071). This variant resides within one of three JunD interacting regions, amino acids 323-428, of MEN1, which is defined as a major effector in transcription and cell growth regulation (Wautot V et al., PMID: 12112656). Computational predictors indicate that the variant is damaging, evidence that correlates with the impact on MEN1 function. Based on available information and the ACMG/AMP guidelines for variant interpretation (Richards S et al., PMID: 25741868), this variant is classified as likely pathogenic.